The following is an entry in ClinVar:

NM_031407.7(HUWE1):c.3493G>T (p.Ala1165Ser)

Gene: HUWE1 (HECT, UBA and WWE domain containing E3 ubiquitin protein ligase 1; minus strand). Cytogenetic location: Xp11.22.
Variant type: single nucleotide variant.
Coding change: c.3493G>T on transcript NM_031407.7 (MANE Select); coding-DNA position 3493, G replaced by T.
Protein change: p.Ala1165Ser; replaces alanine 1165 with serine.
Molecular consequence: missense variant.
Genome position (GRCh38, 1-based): chrX:53,594,509, C>A on the plus strand (G>T on the coding strand, the complement: HUWE1 is on the minus strand). VCF-style: chrX-53594509-C-A. GRCh37 (hg19) VCF-style: chrX-53621469-C-A.
Other names: short protein forms A1165S.
Identifiers: ClinVar variation 2755599 (VCV002755599.3), dbSNP rs2526233895, ClinGen allele CA413178546.
Genomic context (GRCh38, chrX:53,594,509, plus strand): 5'-AAAGATCAAACTCCAAGAAATGCTCCTCTGTGAAGCAACTTGATCCTTACTCAAAAAGAG[C>A]ATTGTGGCCTCCGGAGCAGAGAAATTTTTGCAGCATGAGGTGGTAGGGATACTTCCTCTC-3'
Protein context (NP_113584.3, residues 1155-1175): QKFLCSGGHN[Ala1165Ser]LFETFNWALS

ClinVar aggregate classification (germline): Uncertain significance (1 of 4 stars; one submission).

Submission:

Labcorp Genetics (formerly Invitae), Labcorp
Classification: Uncertain significance. Last evaluated: 2026-01-12. Review status: criteria provided, single submitter. Criteria: Invitae Variant Classification Sherloc (09022015). Collection method: clinical testing. Allele origin: germline.
Comment: This sequence change replaces alanine, which is neutral and non-polar, with serine, which is neutral and polar, at codon 1165 of the HUWE1 protein (p.Ala1165Ser). This variant is not present in population databases (gnomAD no frequency). This variant has not been reported in the literature in individuals affected with HUWE1-related conditions. ClinVar contains an entry for this variant (Variation ID: 2755599). Invitae Evidence Modeling of protein sequence and biophysical properties (such as structural, functional, and spatial information, amino acid conservation, physicochemical variation, residue mobility, and thermodynamic stability) has been performed for this missense variant. However, the output from this modeling did not meet the statistical confidence thresholds required to predict the impact of this variant on HUWE1 protein function. In summary, the available evidence is currently insufficient to determine the role of this variant in disease. Therefore, it has been classified as a Variant of Uncertain Significance.